The following is an entry in ClinVar:

ClinVar aggregate classification (germline): Uncertain significance (1 of 4 stars; one submission).

Submission:

Labcorp Genetics (formerly Invitae), Labcorp
Classification: Uncertain significance. Last evaluated: 2025-03-17. Review status: criteria provided, single submitter. Criteria: Invitae Variant Classification Sherloc (09022015). Collection method: clinical testing. Allele origin: germline.
Comment: This sequence change replaces arginine, which is basic and polar, with glutamine, which is neutral and polar, at codon 195 of the FOCAD protein (p.Arg195Gln). This variant is present in population databases (rs747145835, gnomAD 0.006%). This variant has not been reported in the literature in individuals affected with FOCAD-related conditions. Experimental studies and prediction algorithms are not available or were not evaluated, and the functional significance of this variant is currently unknown. In summary, the available evidence is currently insufficient to determine the role of this variant in disease. Therefore, it has been classified as a Variant of Uncertain Significance.

NM_001375567.1(FOCAD):c.584G>A (p.Arg195Gln)

Gene: FOCAD (focadhesin; plus strand). Cytogenetic location: 9p21.3.
Variant type: single nucleotide variant.
Coding change: c.584G>A on transcript NM_001375567.1 (MANE Select); coding-DNA position 584, G replaced by A.
Protein change: p.Arg195Gln; replaces arginine 195 with glutamine.
Molecular consequence: missense variant.
Genome position (GRCh38, 1-based): chr9:20,764,958, G>A. VCF-style: chr9-20764958-G-A. GRCh37 (hg19) VCF-style: chr9-20764957-G-A.
Other names: c.584G>A, p.Arg195Gln (NM_001375568.1, NM_017794.5); c.479G>A, p.Arg160Gln (NM_001375570.1); short protein forms R195Q, R160Q.
Identifiers: ClinVar variation 3718037 (VCV003718037.2).